The following is an entry in ClinVar:

NM_006904.7(PRKDC):c.5518T>C (p.Phe1840Leu)

Gene: PRKDC (protein kinase, DNA-activated, catalytic subunit; minus strand). Cytogenetic location: 8q11.21.
Variant type: single nucleotide variant.
Coding change: c.5518T>C on transcript NM_006904.7 (MANE Select); coding-DNA position 5518, T replaced by C.
Protein change: p.Phe1840Leu; replaces phenylalanine 1840 with leucine.
Molecular consequence: missense variant.
Genome position (GRCh38, 1-based): chr8:47,864,609, A>G on the plus strand (T>C on the coding strand, the complement: PRKDC is on the minus strand). VCF-style: chr8-47864609-A-G. GRCh37 (hg19) VCF-style: chr8-48777170-A-G.
Other names: c.5518T>C, p.Phe1840Leu (NM_001081640.2); short protein forms F1840L.
Identifiers: ClinVar variation 3310135 (VCV003310135.1).

ClinVar aggregate classification (germline): Uncertain significance (1 of 4 stars; one submission).

Submission:

Ambry Genetics
Classification: Uncertain significance. Last evaluated: 2024-04-30. Review status: criteria provided, single submitter. Criteria: Ambry Variant Classification Scheme 2023. Collection method: clinical testing. Allele origin: germline.
Comment: The p.F1840L variant (also known as c.5518T>C), located in coding exon 41 of the PRKDC gene, results from a T to C substitution at nucleotide position 5518. The phenylalanine at codon 1840 is replaced by leucine, an amino acid with highly similar properties. This amino acid position is conserved. In addition, this alteration is predicted to be deleterious by in silico analysis. Based on the available evidence, the clinical significance of this variant remains unclear.